The following is an entry in ClinVar:

NM_004984.4(KIF5A):c.552_555del (p.Ile184fs)

Gene: KIF5A (kinesin family member 5A; plus strand). Cytogenetic location: 12q13.3.
Variant type: Microsatellite.
Coding change: c.552_555del on transcript NM_004984.4 (MANE Select); coding-DNA positions 552 to 555, 4 bases deleted (TGAT; older notation c.552_555delTGAT).
Protein change: p.Ile184fs; shifts the reading frame from isoleucine 184.
Molecular consequence: frameshift variant.
Genome position (GRCh38, 1-based): chr12:57,567,176-57,567,179, TGAT deleted; deleting any 4 consecutive bases within chr12:57,567,172-57,567,179 gives the same sequence; the c. name uses the placement nearest the transcript's 3' end. VCF-style (leftmost placement, unchanged base first): chr12-57567171-GTGAT-G. GRCh37 (hg19) VCF-style: chr12-57960954-GTGAT-G.
Other names: c.285_288del, p.Ile95fs (NM_001354705.2); short protein forms I184fs, I95fs.
Identifiers: ClinVar variation 2738921 (VCV002738921.3), dbSNP rs2540496937, ClinGen allele CA2697559299.

ClinVar aggregate classification (germline): Pathogenic (1 of 4 stars; one submission).

Conditions:
Spastic paraplegia. Identifiers: MedGen C0037772, HP:0001258.

Submission:

Labcorp Genetics (formerly Invitae), Labcorp
Classification: Pathogenic for Spastic paraplegia. Last evaluated: 2023-07-08. Review status: criteria provided, single submitter. Criteria: Invitae Variant Classification Sherloc (09022015). Collection method: clinical testing. Allele origin: germline.
Comment: For these reasons, this variant has been classified as Pathogenic. This variant has not been reported in the literature in individuals affected with KIF5A-related conditions. This variant is not present in population databases (gnomAD no frequency). This sequence change creates a premature translational stop signal (p.Ile184Metfs*14) in the KIF5A gene. It is expected to result in an absent or disrupted protein product. Loss-of-function variants in KIF5A are known to be pathogenic (PMID: 26374131).

Literature cited by the submitters: PubMed 26374131.